The following is an entry in ClinVar:

NM_139279.6(MCFD2):c.*1908G>C

Genes: MCFD2 (multiple coagulation factor deficiency 2, ER cargo receptor complex subunit; minus strand), MCFD2-AS1 (MCFD2 antisense RNA 1; plus strand). Cytogenetic location: 2p21.
Variant type: single nucleotide variant.
Coding change: c.*1908G>C on transcript NM_139279.6 (MANE Select); 1908 bases downstream of the stop codon, G replaced by C.
Molecular consequence: 3 prime UTR variant.
Genome position (GRCh38, 1-based): chr2:46,903,555, C>G on the plus strand (G>C on the coding strand, the complement: MCFD2 is on the minus strand). VCF-style: chr2-46903555-C-G. GRCh37 (hg19) VCF-style: chr2-47130694-C-G.
Other names: c.*1908G>C (NM_001171506.2, NM_001171507.2, NM_001171508.2 and 3 more transcripts).
Identifiers: ClinVar variation 336348 (VCV000336348.5), dbSNP rs6743994, ClinGen allele CA10613529.

ClinVar aggregate classification (germline): Benign (1 of 4 stars; one submission).

Conditions:
Factor 5 and Factor VIII, combined deficiency of, 2. Identifiers: Orphanet 35909, MedGen C3150889, MONDO:0013331, OMIM 613625.

Allele frequency attached by ClinVar (database versions not stated): gnomAD exomes 0.07143; gnomAD 0.06466 and 0.06473; TOPMed 0.07111; 1000 Genomes Project 0.09285; 1000 Genomes Project 30x 0.09478.
gnomAD v4.1: 9,752 of 152,224 alleles (6.4%); highest among the groups gnomAD compares: African/African-American, 14%; 569 homozygotes.

Submission:

Illumina Laboratory Services, Illumina
Classification: Benign for Factor 5 and Factor VIII, combined deficiency of, 2. Last evaluated: 2018-01-13. Review status: criteria provided, single submitter. Criteria: ICSL Variant Classification Criteria 13 December 2019. Collection method: clinical testing. Allele origin: germline.
Comment: This variant was observed in the ICSL laboratory as part of a predisposition screen in an ostensibly healthy population. It had not been previously curated by ICSL or reported in the Human Gene Mutation Database (HGMD: prior to June 1st, 2018), and was therefore a candidate for classification through an automated scoring system. Utilizing variant allele frequency, disease prevalence and penetrance estimates, and inheritance mode, an automated score was calculated to assess if this variant is too frequent to cause the disease. Based on the score and internal cut-off values, a variant classified as benign is not then subjected to further curation. The score for this variant resulted in a classification of benign for this disease.